The following is an entry in ClinVar:

ClinVar aggregate classification (germline): Uncertain significance (1 of 4 stars; one submission).

Conditions:
Early-infantile DEE. Also called: Ohtahara syndrome; Early infantile epileptic encephalopathy; Early infantile epileptic encephalopathy with suppression bursts. Identifiers: Orphanet 1934, MedGen C0393706, MONDO:0800491.

Allele frequency attached by ClinVar (database versions not stated): gnomAD exomes below 0.00001.
gnomAD v4.1: 1 of 1,614,244 alleles (0.000062%); highest among the groups gnomAD compares: Admixed American, 0.0017%; no homozygotes.

Submission:

Labcorp Genetics (formerly Invitae), Labcorp
Classification: Uncertain significance for Early-infantile DEE. Last evaluated: 2024-04-02. Review status: criteria provided, single submitter. Criteria: Invitae Variant Classification Sherloc (09022015). Collection method: clinical testing. Allele origin: germline.
Comment: This sequence change replaces tyrosine, which is neutral and polar, with cysteine, which is neutral and slightly polar, at codon 767 of the KCNH5 protein (p.Tyr767Cys). This variant is not present in population databases (gnomAD no frequency). This variant has not been reported in the literature in individuals affected with KCNH5-related conditions. Advanced modeling of protein sequence and biophysical properties (such as structural, functional, and spatial information, amino acid conservation, physicochemical variation, residue mobility, and thermodynamic stability) performed at Invitae indicates that this missense variant is not expected to disrupt KCNH5 protein function with a negative predictive value of 95%. In summary, the available evidence is currently insufficient to determine the role of this variant in disease. Therefore, it has been classified as a Variant of Uncertain Significance.

NM_139318.5(KCNH5):c.2300A>G (p.Tyr767Cys)

Gene: KCNH5 (potassium voltage-gated channel subfamily H member 5; minus strand). Cytogenetic location: 14q23.2.
Variant type: single nucleotide variant.
Coding change: c.2300A>G on transcript NM_139318.5 (MANE Select); coding-DNA position 2300, A replaced by G.
Protein change: p.Tyr767Cys; replaces tyrosine 767 with cysteine.
Molecular consequence: missense variant. On other transcripts: 3 prime UTR variant (1).
Genome position (GRCh38, 1-based): chr14:62,708,175, T>C on the plus strand (A>G on the coding strand, the complement: KCNH5 is on the minus strand). VCF-style: chr14-62708175-T-C. GRCh37 (hg19) VCF-style: chr14-63174893-T-C.
Other names: c.*267A>G (NM_172375.3); short protein forms Y767C.
Identifiers: ClinVar variation 2783685 (VCV002783685.3), dbSNP rs2502654020, ClinGen allele CA390100919.
Genomic context (GRCh38, chr14:62,708,175, plus strand): 5'-TTGGGCTTGAGTTCCATGGCATCACGGTTGTTCTGCTTAAGGGATTCACTGGTTTTCACA[T>C]AGGCCAGAGACGTCTGAATGGGAGTAATCTGTGACACAGTCACCACGCTGGTTCCGGTGA-3'
Protein context (NP_647479.2, residues 757-777): QITPIQTSLA[Tyr767Cys]VKTSESLKQN